The following is an entry in ClinVar:

NM_005732.4(RAD50):c.3410G>A (p.Ser1137Asn)

Genes: TH2-LCR (Th2 cytokine locus control region; plus strand), RAD50 (RAD50 double strand break repair protein; plus strand), TH2LCRR (T helper type 2 locus control region associated RNA; minus strand). Cytogenetic location: 5q31.1.
Variant type: single nucleotide variant.
Coding change: c.3410G>A on transcript NM_005732.4 (MANE Select); coding-DNA position 3410, G replaced by A.
Protein change: p.Ser1137Asn; replaces serine 1137 with asparagine.
Molecular consequence: missense variant.
Genome position (GRCh38, 1-based): chr5:132,637,135, G>A. VCF-style: chr5-132637135-G-A. GRCh37 (hg19) VCF-style: chr5-131972827-G-A.
Other names: short protein forms S1137N.
Identifiers: ClinVar variation 482140 (VCV000482140.5), dbSNP rs1554100855, ClinGen allele CA360929857.
Genomic context (GRCh38, chr5:132,637,135, plus strand): 5'-TTTTTTATATATATGAAGTACCAATGACTTCCTTTTCCAGAGCAATAATGAAATTTCACA[G>A]TATGAAAATGGAAGAAATCAATAAAATTATACGTGACCTGTGGCGAAGTACCTATCGTGG-3'
Protein context (NP_005723.2, residues 1127-1147): TLDQAIMKFH[Ser1137Asn]MKMEEINKII

ClinVar aggregate classification (germline): Uncertain significance (1 of 4 stars; one submission).

Conditions:
Hereditary cancer-predisposing syndrome. Also called: Neoplastic Syndromes, Hereditary; Tumor predisposition; Hereditary Cancer Syndrome; Hereditary neoplastic syndrome. Identifiers: Orphanet 140162, MedGen C0027672, MeSH D009386, MONDO:0015356.

Submission:

Ambry Genetics
Classification: Uncertain significance for Hereditary cancer-predisposing syndrome. Last evaluated: 2017-02-10. Review status: criteria provided, single submitter. Criteria: Ambry Variant Classification Scheme 2023. Collection method: clinical testing. Allele origin: germline.
Comment: The p.S1137N variant (also known as c.3410G>A), located in coding exon 22 of the RAD50 gene, results from a G to A substitution at nucleotide position 3410. The serine at codon 1137 is replaced by asparagine, an amino acid with highly similar properties. This amino acid position is highly conserved in available vertebrate species. In addition, the in silico prediction for this alteration is inconclusive. Since supporting evidence is limited at this time, the clinical significance of this alteration remains unclear.